The following is an entry in ClinVar:

NM_001365276.2(TNXB):c.12033G>A (p.Pro4011=)

Genes: TNXB (tenascin XB; minus strand), LOC106780803 (tenascin XB recombination region; plus strand). Cytogenetic location: 6p21.33.
Variant type: single nucleotide variant.
Coding change: c.12033G>A on transcript NM_001365276.2 (MANE Select); coding-DNA position 12033, G replaced by A.
Protein change: p.Pro4011=; no amino-acid change (proline 4011 retained).
Molecular consequence: synonymous variant.
Genome position (GRCh38, 1-based): chr6:32,042,724, C>T on the plus strand (G>A on the coding strand, the complement: TNXB is on the minus strand). VCF-style: chr6-32042724-C-T. GRCh37 (hg19) VCF-style: chr6-32010501-C-T.
Other names: p.Pro4009=; c.12774G>A, p.Pro4258= (NM_001428335.1); c.12027G>A, p.Pro4009= (NM_019105.8); c.1320G>A, p.Pro440= (NM_032470.4).
Identifiers: ClinVar variation 4684932 (VCV004684932.1).
Genomic context (GRCh38, chr6:32,042,724, plus strand): 5'-CCAGCCCCCGGCCCCGGGCCCGTGCGTCCAGGTACCCGTGGTGAAAGAGGTGGACACGGG[C>T]GGCAGGAGGCTCTGGCCCCACATGGCCTGGAGCCGTGCATTGTAGGAGGTGGAGGGAAAG-3'
Protein context (NP_001352205.1, residues 4001-4021): LQAMWGQSLL[Pro4011=]PVSTSFTTGG

ClinVar aggregate classification (germline): Likely benign (1 of 4 stars; one submission).

gnomAD v4.1: 328 of 977,686 alleles (0.034%); highest among the groups gnomAD compares: African/African-American, 0.55%; 1 homozygote.

Submission:

Mayo Clinic Laboratories, Mayo Clinic
Classification: Likely benign. Last evaluated: 2025-10-18. Review status: criteria provided, single submitter. Criteria: ACMG Guidelines, 2015. Collection method: clinical testing. Allele origin: germline. Observed: 2 variant alleles.
Comment: BS1, BP4, BP7